The following is an entry in ClinVar:

ClinVar aggregate classification (germline): Uncertain significance. Review status: criteria provided, multiple submitters, no conflicts (2 of 4 stars). 4 submissions from 4 submitters: Uncertain significance (4). Last evaluated 2026-02-19.

Conditions:
Malignant hyperthermia, susceptibility to, 1 (MHS1). Also called: Malignant hyperthermia suceptibility 1; Anesthesia related hyperthermia; Malignant hyperpyrexia; Fulminating hyperpyrexia; Pharmacogenic myopathy; RYR1-Related Malignant Hyperthermia Susceptibility. Identifiers: Orphanet 423, MedGen C2930980, MONDO:0007783, OMIM 145600.
RYR1-related disorder. Also called: RYR1-related condition; RYR1-related disorders. Identifiers: MedGen CN239331.

Allele frequency attached by ClinVar (database versions not stated): ExAC 0.00001; 1000 Genomes Project 30x 0.00016; 1000 Genomes Project 0.00020.

Submissions (4):

GeneDx
Classification: Uncertain significance. Last evaluated: 2026-02-19. Review status: criteria provided, single submitter. Criteria: GeneDx Variant Classification Process June 2021. Collection method: clinical testing. Allele origin: germline.
Comment: Not observed at significant frequency in large population cohorts (gnomAD); In silico analysis supports that this missense variant has a deleterious effect on protein structure/function; Has not been previously published as pathogenic or benign to our knowledge

Labcorp Genetics (formerly Invitae), Labcorp
Classification: Uncertain significance for RYR1-related disorder. Last evaluated: 2025-07-27. Review status: criteria provided, single submitter. Criteria: Invitae Variant Classification Sherloc (09022015). Collection method: clinical testing. Allele origin: germline.
Comment: This sequence change replaces alanine, which is neutral and non-polar, with valine, which is neutral and non-polar, at codon 2576 of the RYR1 protein (p.Ala2576Val). The frequency data for this variant in the population databases is considered unreliable, as metrics indicate poor data quality at this position in the gnomAD database. This variant has not been reported in the literature in individuals affected with RYR1-related conditions. ClinVar contains an entry for this variant (Variation ID: 3070114). Invitae Evidence Modeling of protein sequence and biophysical properties (such as structural, functional, and spatial information, amino acid conservation, physicochemical variation, residue mobility, and thermodynamic stability) indicates that this missense variant is not expected to disrupt RYR1 protein function with a negative predictive value of 80%. In summary, the available evidence is currently insufficient to determine the role of this variant in disease. Therefore, it has been classified as a Variant of Uncertain Significance.

Revvity Omics, Revvity
Classification: Uncertain significance. Last evaluated: 2023-12-01. Review status: criteria provided, single submitter. Criteria: ACMG Guidelines, 2015. Collection method: clinical testing. Allele origin: germline.

All of Us Research Program, National Institutes of Health
Classification: Uncertain significance for Malignant hyperthermia, susceptibility to, 1. Last evaluated: 2023-04-03. Review status: criteria provided, single submitter. Criteria: ACMG Guidelines, 2015. Collection method: clinical testing. Allele origin: germline. Inheritance: Autosomal dominant inheritance. Observed: 1 variant allele, 1 heterozygote.
Comment: This missense variant replaces alanine with valine at codon 2576 of the RYR1 protein. Computational prediction suggests that this variant may have deleterious impact on protein structure and function (internally defined REVEL score threshold >= 0.7, PMID: 27666373). To our knowledge, functional studies have not been reported for this variant. This variant has not been reported in individuals affected with RYR1-related disorders in the literature. This variant has been identified in 1/250484 chromosomes in the general population by the Genome Aggregation Database (gnomAD). The available evidence is insufficient to determine the role of this variant in disease conclusively. Therefore, this variant is classified as a Variant of Uncertain Significance.

This study involves interpretation of variants in research participants for the purpose of population health screening. Participant phenotype was not available at the time of variant classification. Additional details can be found in publication PMID: 35346344, PMCID: PMC8962531

NM_000540.3(RYR1):c.7727C>T (p.Ala2576Val)

Gene: RYR1 (ryanodine receptor 1; plus strand). Cytogenetic location: 19q13.2.
Variant type: single nucleotide variant.
Coding change: c.7727C>T on transcript NM_000540.3 (MANE Select); coding-DNA position 7727, C replaced by T.
Protein change: p.Ala2576Val; replaces alanine 2576 with valine.
Molecular consequence: missense variant.
Genome position (GRCh38, 1-based): chr19:38,502,619, C>T. VCF-style: chr19-38502619-C-T. GRCh37 (hg19) VCF-style: chr19-38993259-C-T.
Other names: c.7727C>T, p.Ala2576Val (NM_001042723.2); short protein forms A2576V.
Identifiers: ClinVar variation 3070114 (VCV003070114.4), dbSNP rs202144554, ClinGen allele CA070078.